The following is an entry in ClinVar:

NM_014915.3(ANKRD26):c.-152C>T

Gene: ANKRD26 (ankyrin repeat domain 26; minus strand). Cytogenetic location: 10p12.1.
Variant type: single nucleotide variant.
Coding change: c.-152C>T on transcript NM_014915.3 (MANE Select); 152 bases upstream of the start codon, C replaced by T.
Molecular consequence: 5 prime UTR variant.
Genome position (GRCh38, 1-based): chr10:27,100,478, G>A on the plus strand (C>T on the coding strand, the complement: ANKRD26 is on the minus strand). VCF-style: chr10-27100478-G-A. GRCh37 (hg19) VCF-style: chr10-27389407-G-A.
Other names: p.?; c.-152C>T (NM_001256053.2).
Identifiers: ClinVar variation 2978490 (VCV002978490.4), dbSNP rs886745244, ClinGen allele CA204453896.

ClinVar aggregate classification (germline): Uncertain significance. Review status: criteria provided, multiple submitters, no conflicts (2 of 4 stars). 2 submissions from 2 submitters: Uncertain significance (2). Last evaluated 2025-11-29.

Allele frequency attached by ClinVar (database versions not stated): gnomAD exomes 0.00001.
gnomAD v4.1: 17 of 1,197,322 alleles (0.0014%); highest among the groups gnomAD compares: African/African-American, 0.023%; no homozygotes.

Submissions (2):

Labcorp Genetics (formerly Invitae), Labcorp
Classification: Uncertain significance. Last evaluated: 2025-11-29. Review status: criteria provided, single submitter. Criteria: Invitae Variant Classification Sherloc (09022015). Collection method: clinical testing. Allele origin: germline.
Comment: This variant occurs in a non-coding region of the ANKRD26 gene. It does not change the encoded amino acid sequence of the ANKRD26 protein. This variant is present in population databases (no rsID available, gnomAD 0.01%). This variant has not been reported in the literature in individuals affected with ANKRD26-related conditions. ClinVar contains an entry for this variant (Variation ID: 2978490). In summary, the available evidence is currently insufficient to determine the role of this variant in disease. Therefore, it has been classified as a Variant of Uncertain Significance.

Mayo Clinic Laboratories, Mayo Clinic
Classification: Uncertain significance. Last evaluated: 2025-09-26. Review status: criteria provided, single submitter. Criteria: ACMG Guidelines, 2015. Collection method: clinical testing. Allele origin: germline. Observed: 1 variant allele.

Literature cited by the submitters: PubMed 29927566 (cited by Mayo Clinic Laboratories, Mayo Clinic); PubMed 38757516 (cited by Mayo Clinic Laboratories, Mayo Clinic).